The following is an entry in ClinVar:

NM_016343.4(CENPF):c.6038C>T (p.Thr2013Met)

Gene: CENPF (centromere protein F; plus strand). Cytogenetic location: 1q41.
Variant type: single nucleotide variant.
Coding change: c.6038C>T on transcript NM_016343.4 (MANE Select); coding-DNA position 6038, C replaced by T.
Protein change: p.Thr2013Met; replaces threonine 2013 with methionine.
Molecular consequence: missense variant.
Genome position (GRCh38, 1-based): chr1:214,645,608, C>T. VCF-style: chr1-214645608-C-T. GRCh37 (hg19) VCF-style: chr1-214818951-C-T.
Other names: short protein forms T2013M.
Identifiers: ClinVar variation 2052022 (VCV002052022.9), dbSNP rs150986314, ClinGen allele CA1390897.

ClinVar aggregate classification (germline): Uncertain significance. Review status: criteria provided, multiple submitters, no conflicts (2 of 4 stars). 4 submissions from 4 submitters: Uncertain significance (3). 1 of the submissions does not count toward it. Last evaluated 2025-12-08.

Conditions:
Inborn genetic diseases. Identifiers: MedGen C0950123, MeSH D030342.
CENPF-related disorder. Also called: CENPF-related condition.

Allele frequency attached by ClinVar (database versions not stated): ExAC 0.00007; gnomAD 0.00019; ESP Exome Variant Server 0.00023; TOPMed 0.00023; gnomAD exomes 0.00025.
gnomAD v4.1: 387 of 1,613,964 alleles (0.024%); highest among the groups gnomAD compares: Non-Finnish European, 0.029%; no homozygotes.

Submissions (4):

Labcorp Genetics (formerly Invitae), Labcorp
Classification: Uncertain significance. Last evaluated: 2025-12-08. Review status: criteria provided, single submitter. Criteria: Invitae Variant Classification Sherloc (09022015). Collection method: clinical testing. Allele origin: germline.
Comment: This sequence change replaces threonine, which is neutral and polar, with methionine, which is neutral and non-polar, at codon 2013 of the CENPF protein (p.Thr2013Met). This variant is present in population databases (rs150986314, gnomAD 0.02%). This variant has not been reported in the literature in individuals affected with CENPF-related conditions. ClinVar contains an entry for this variant (Variation ID: 2052022). An algorithm developed to predict the effect of missense changes on protein structure and function (PolyPhen-2) suggests that this variant is likely to be tolerated. In summary, the available evidence is currently insufficient to determine the role of this variant in disease. Therefore, it has been classified as a Variant of Uncertain Significance.

Ambry Genetics
Classification: Uncertain significance for Inborn genetic diseases. Last evaluated: 2025-11-26. Review status: criteria provided, single submitter. Criteria: Ambry Variant Classification Scheme 2023. Collection method: clinical testing. Allele origin: germline.

GeneDx
Classification: Uncertain significance. Last evaluated: 2025-04-29. Review status: criteria provided, single submitter. Criteria: GeneDx Variant Classification Process June 2021. Collection method: clinical testing. Allele origin: germline. Affected: yes.
Comment: Not observed at significant frequency in large population cohorts (gnomAD); In silico analysis indicates that this missense variant does not alter protein structure/function; Has not been previously published as pathogenic or benign to our knowledge

PreventionGenetics, part of Exact Sciences
Classification: Uncertain significance for CENPF-related condition. Last evaluated: 2023-11-07. Review status: no assertion criteria provided. Collection method: clinical testing. Allele origin: germline. Not counted in ClinVar's aggregate classification.
Comment: The CENPF c.6038C>T variant is predicted to result in the amino acid substitution p.Thr2013Met. To our knowledge, this variant has not been reported in the literature. This variant is reported in 0.014% of alleles in individuals of Latino descent in gnomAD. At this time, the clinical significance of this variant is uncertain due to the absence of conclusive functional and genetic evidence.